The following is an entry in ClinVar:

ClinVar aggregate classification (germline): Likely benign. Review status: criteria provided, multiple submitters, no conflicts (2 of 4 stars). 2 submissions from 2 submitters: Likely benign (2). Last evaluated 2025-10-27.

Conditions:
Fanconi anemia (FA). Also called: Fanconi's anemia. Identifiers: Orphanet 84, MedGen C0015625, MeSH D005199, MONDO:0019391.

Allele frequency attached by ClinVar (database versions not stated): ExAC 0.00001; gnomAD exomes 0.00002; TOPMed 0.00010; gnomAD 0.00011.

Submissions (2):

Labcorp Genetics (formerly Invitae), Labcorp
Classification: Likely benign for Fanconi anemia. Last evaluated: 2025-10-27. Review status: criteria provided, single submitter. Criteria: Invitae Variant Classification Sherloc (09022015). Collection method: clinical testing. Allele origin: germline.

CeGaT Center for Human Genetics Tuebingen
Classification: Likely benign. Last evaluated: 2025-06-01. Review status: criteria provided, single submitter. Criteria: CeGaT Center For Human Genetics Tuebingen Variant Classification Criteria Version 2. Collection method: clinical testing. Allele origin: germline. Affected: yes. Observed: 1 variant allele.
Comment: SLX4: BP4, BP7

NM_032444.4(SLX4):c.2250G>A (p.Thr750=)

Gene: SLX4 (SLX4 structure-specific endonuclease subunit; minus strand). Cytogenetic location: 16p13.3.
Variant type: single nucleotide variant.
Coding change: c.2250G>A on transcript NM_032444.4 (MANE Select); coding-DNA position 2250, G replaced by A.
Protein change: p.Thr750=; no amino-acid change (threonine 750 retained).
Molecular consequence: synonymous variant.
Genome position (GRCh38, 1-based): chr16:3,592,776, C>T on the plus strand (G>A on the coding strand, the complement: SLX4 is on the minus strand). VCF-style: chr16-3592776-C-T. GRCh37 (hg19) VCF-style: chr16-3642777-C-T.
Identifiers: ClinVar variation 2045058 (VCV002045058.12), dbSNP rs775762508, ClinGen allele CA7866219.